The following is an entry in ClinVar:

ClinVar aggregate classification (germline): Likely benign. Review status: criteria provided, multiple submitters, no conflicts (2 of 4 stars). 2 submissions from 2 submitters: Likely benign (2). Last evaluated 2024-03-18.

Conditions:
Charcot-Marie-Tooth Neuropathy X. Identifiers: MedGen CN118851.

Allele frequency attached by ClinVar (database versions not stated): gnomAD exomes below 0.00001 and 0.00002; gnomAD 0.00001 and 0.00002; ExAC 0.00002; TOPMed 0.00002.
gnomAD v4.1: 6 of 1,197,704 alleles (0.0005%); highest among the groups gnomAD compares: Non-Finnish European, 0.00067%; no homozygotes.

Submissions (2):

Labcorp Genetics (formerly Invitae), Labcorp
Classification: Likely benign for Charcot-Marie-Tooth Neuropathy X. Last evaluated: 2024-03-18. Review status: criteria provided, single submitter. Criteria: Invitae Variant Classification Sherloc (09022015). Collection method: clinical testing. Allele origin: germline.

CeGaT Center for Human Genetics Tuebingen
Classification: Likely benign. Last evaluated: 2024-02-01. Review status: criteria provided, single submitter. Criteria: CeGaT Center For Human Genetics Tuebingen Variant Classification Criteria Version 2. Collection method: clinical testing. Allele origin: germline. Affected: yes. Observed: 1 variant allele.
Comment: GJB1: BP4, BP7

NM_000166.6(GJB1):c.546C>T (p.Ser182=)

Gene: GJB1 (gap junction protein beta 1; plus strand). Cytogenetic location: Xq13.1.
Variant type: single nucleotide variant.
Coding change: c.546C>T on transcript NM_000166.6 (MANE Select); coding-DNA position 546, C replaced by T.
Protein change: p.Ser182=; no amino-acid change (serine 182 retained).
Molecular consequence: synonymous variant.
Genome position (GRCh38, 1-based): chrX:71,224,253, C>T. VCF-style: chrX-71224253-C-T. GRCh37 (hg19) VCF-style: chrX-70444103-C-T.
Other names: c.546C>T, p.Ser182= (NM_001097642.3).
Identifiers: ClinVar variation 1125527 (VCV001125527.31), dbSNP rs781639935, ClinGen allele CA10445314.